The following is an entry in ClinVar:

ClinVar aggregate classification (germline): Uncertain significance. Review status: criteria provided, multiple submitters, no conflicts (2 of 4 stars). 3 submissions from 3 submitters: Uncertain significance (3). Last evaluated 2022-08-16.

Conditions:
Emery-Dreifuss muscular dystrophy 4, autosomal dominant (EDMD4). Also called: EMERY-DREIFUSS MUSCULAR DYSTROPHY 4 WITH VARIABLE FEATURES. Identifiers: Orphanet 261, MedGen C2751807, MONDO:0013071, OMIM 612998.
Autosomal recessive ataxia, Beauce type. Also called: SYNE1-Related Autosomal Recessive Cerebellar Ataxia; Spinocerebellar ataxia, autosomal recessive 8; ATAXIA, RECESSIVE, OF BEAUCE; SYNE1 Deficiency. Identifiers: Orphanet 88644, MedGen C1853116, MONDO:0012549, OMIM 610743.

Allele frequency attached by ClinVar (database versions not stated): TOPMed 0.00011; ExAC 0.00013; gnomAD 0.00013 and 0.00014; gnomAD exomes 0.00014.
gnomAD v4.1: 66 of 1,614,128 alleles (0.0041%); highest among the groups gnomAD compares: Middle Eastern, 0.12%; no homozygotes.

Submissions (3):

Labcorp Genetics (formerly Invitae), Labcorp
Classification: Uncertain significance for Emery-Dreifuss muscular dystrophy 4, autosomal dominant; Autosomal recessive ataxia, Beauce type. Last evaluated: 2022-08-16. Review status: criteria provided, single submitter. Criteria: Invitae Variant Classification Sherloc (09022015). Collection method: clinical testing. Allele origin: germline.
Comment: This sequence change replaces glutamine, which is neutral and polar, with lysine, which is basic and polar, at codon 3367 of the SYNE1 protein (p.Gln3367Lys). This variant is present in population databases (rs774710219, gnomAD 0.08%). This variant has not been reported in the literature in individuals affected with SYNE1-related conditions. ClinVar contains an entry for this variant (Variation ID: 586699). Algorithms developed to predict the effect of missense changes on protein structure and function are either unavailable or do not agree on the potential impact of this missense change (SIFT: "Deleterious"; PolyPhen-2: "Benign"; Align-GVGD: "Class C15"). In summary, the available evidence is currently insufficient to determine the role of this variant in disease. Therefore, it has been classified as a Variant of Uncertain Significance.

Baylor Genetics
Classification: Uncertain significance for Emery-Dreifuss muscular dystrophy 4, autosomal dominant. Last evaluated: 2019-07-03. Review status: criteria provided, single submitter. Criteria: ACMG Guidelines, 2015. Collection method: clinical testing. Allele origin: paternal. Affected: yes.
Comment: This variant was determined to be of uncertain significance according to ACMG Guidelines, 2015 [PMID:25741868].

Athena Diagnostics
Classification: Uncertain significance. Last evaluated: 2018-06-21. Review status: criteria provided, single submitter. Criteria: Athena Diagnostics Criteria. Collection method: clinical testing. Allele origin: germline.

NM_182961.4(SYNE1):c.10078C>A (p.Gln3360Lys)

Gene: SYNE1 (spectrin repeat containing nuclear envelope protein 1; minus strand). Cytogenetic location: 6q25.2.
Variant type: single nucleotide variant.
Coding change: c.10078C>A on transcript NM_182961.4 (MANE Select); coding-DNA position 10078, C replaced by A.
Protein change: p.Gln3360Lys; replaces glutamine 3360 with lysine.
Molecular consequence: missense variant.
Genome position (GRCh38, 1-based): chr6:152,364,914, G>T on the plus strand (C>A on the coding strand, the complement: SYNE1 is on the minus strand). VCF-style: chr6-152364914-G-T. GRCh37 (hg19) VCF-style: chr6-152686049-G-T.
Other names: c.10099C>A, p.Gln3367Lys (NM_033071.5); short protein forms Q3360K, Q3367K.
Identifiers: ClinVar variation 586699 (VCV000586699.7), dbSNP rs774710219, ClinGen allele CA4057084.